The following is an entry in ClinVar:

ClinVar aggregate classification (germline): Benign (0 of 4 stars; one submission).

Conditions:
FSIP2-related disorder. Also called: FSIP2-related condition.

Allele frequency attached by ClinVar (database versions not stated): TOPMed 0.00254; gnomAD 0.00374; 1000 Genomes Project 0.00659; 1000 Genomes Project 30x 0.00671; ExAC 0.01615.
gnomAD v4.1: 7,723 of 1,533,266 alleles (0.5%); highest among the groups gnomAD compares: South Asian, 2.8%; 69 homozygotes.

Submission:

PreventionGenetics, part of Exact Sciences
Classification: Benign for FSIP2-related condition. Last evaluated: 2019-05-22. Review status: no assertion criteria provided. Collection method: clinical testing. Allele origin: germline.
Comment: This variant is classified as benign based on ACMG/AMP sequence variant interpretation guidelines (Richards et al. 2015 PMID: 25741868, with internal and published modifications).

NM_173651.4(FSIP2):c.15292A>G (p.Ile5098Val)

Gene: FSIP2 (fibrous sheath interacting protein 2; plus strand). Cytogenetic location: 2q32.1.
Variant type: single nucleotide variant.
Coding change: c.15292A>G on transcript NM_173651.4 (MANE Select); coding-DNA position 15292, A replaced by G.
Protein change: p.Ile5098Val; replaces isoleucine 5098 with valine.
Molecular consequence: missense variant.
Genome position (GRCh38, 1-based): chr2:185,804,598, A>G. VCF-style: chr2-185804598-A-G. GRCh37 (hg19) VCF-style: chr2-186669325-A-G.
Other names: short protein forms I5098V.
Identifiers: ClinVar variation 3039014 (VCV003039014.2), dbSNP rs116029352, ClinGen allele CA2017115.
Genomic context (GRCh38, chr2:185,804,598, plus strand): 5'-TTAGAGTCTTCTTCTTATTCGTATCCCCAAGCTGATAATATCATCAGAAATGTGCTTAAC[A>G]TAATCACAAAGGATAGCCATGCCTTGCCACCATATATTACTGTGTTGCCTCATTCTCTTT-3'
Protein context (NP_775922.3, residues 5088-5108): ADNIIRNVLN[Ile5098Val]ITKDSHALPP